The following is an entry in ClinVar:

ClinVar aggregate classification (germline): Pathogenic (1 of 4 stars; one submission).

Conditions:
Inborn genetic diseases. Identifiers: MedGen C0950123, MeSH D030342.

Submission:

Ambry Genetics
Classification: Pathogenic for Inborn genetic diseases. Last evaluated: 2023-04-13. Review status: criteria provided, single submitter. Criteria: Ambry Variant Classification Scheme 2023. Collection method: clinical testing. Allele origin: germline.
Comment: The c.175G>T (p.E59*) alteration, located in exon 3 (coding exon 2) of the ZEB2 gene, consists of a G to T substitution at nucleotide position 175. This changes the amino acid from a glutamic acid (E) to a stop codon at amino acid position 59. This alteration is expected to result in loss of function by premature protein truncation or nonsense-mediated mRNA decay. This variant was not reported in population-based cohorts in the Genome Aggregation Database (gnomAD). Based on the available evidence, this alteration is classified as pathogenic.

NM_014795.4(ZEB2):c.175G>T (p.Glu59Ter)

Gene: ZEB2 (zinc finger E-box binding homeobox 2; minus strand). Cytogenetic location: 2q22.3.
Variant type: single nucleotide variant.
Coding change: c.175G>T on transcript NM_014795.4 (MANE Select); coding-DNA position 175, G replaced by T.
Protein change: p.Glu59Ter; replaces glutamic acid 59 with a stop codon.
Molecular consequence: nonsense.
Genome position (GRCh38, 1-based): chr2:144,429,925, C>A on the plus strand (G>T on the coding strand, the complement: ZEB2 is on the minus strand). VCF-style: chr2-144429925-C-A. GRCh37 (hg19) VCF-style: chr2-145187492-C-A.
Other names: c.175G>T, p.Glu59Ter (NM_001171653.2); short protein forms E59*.
Identifiers: ClinVar variation 2528665 (VCV002528665.2), dbSNP rs2549120691, ClinGen allele CA348718903.
Genomic context (GRCh38, chr2:144,429,925, plus strand): 5'-ACAGAGCTTGGCTCACGTGTGGGGAGGACTCATGGTTGGGCACACTAGCTGGACTCGTCT[C>A]CTGGTCCAGAGGGTTGGCAATACCGTCATCCTCAGCAATATGAAGCTTGTCTTCCTCATC-3'